The following is an entry in ClinVar:

ClinVar aggregate classification (germline): Uncertain significance (1 of 4 stars; one submission).

Conditions:
SEMA3A-related disorder. Also called: SEMA3A-related condition.

gnomAD v4.1: 1 of 1,613,956 alleles (0.000062%); highest among the groups gnomAD compares: Admixed American, 0.0017%; no homozygotes.

Submission:

PreventionGenetics, part of Exact Sciences
Classification: Uncertain significance for SEMA3A-related condition. Last evaluated: 2026-06-15. Review status: criteria provided, single submitter. Criteria: ACMG Guidelines, 2015. Collection method: clinical testing. Allele origin: germline.
Comment: The SEMA3A c.159C>G variant is predicted to result in the amino acid substitution p.Asn53Lys. To our knowledge, this variant has not been reported in the literature. This variant is reported in 0.0029% of alleles in individuals of Latino descent in gnomAD. At this time, the clinical significance of this variant is uncertain due to the absence of conclusive functional and genetic evidence.

NM_006080.3(SEMA3A):c.159C>G (p.Asn53Lys)

Gene: SEMA3A (semaphorin 3A; minus strand). Cytogenetic location: 7q21.11.
Variant type: single nucleotide variant.
Coding change: c.159C>G on transcript NM_006080.3 (MANE Select); coding-DNA position 159, C replaced by G.
Protein change: p.Asn53Lys; replaces asparagine 53 with lysine.
Molecular consequence: missense variant.
Genome position (GRCh38, 1-based): chr7:84,134,905, G>C on the plus strand (C>G on the coding strand, the complement: SEMA3A is on the minus strand). VCF-style: chr7-84134905-G-C. GRCh37 (hg19) VCF-style: chr7-83764221-G-C.
Other names: short protein forms N53K.
Identifiers: ClinVar variation 4984443 (VCV004984443.1).